The following is an entry in ClinVar:

NM_001378454.1(ALMS1):c.2443G>A (p.Glu815Lys)

Gene: ALMS1 (ALMS1 centrosome and basal body associated protein; plus strand). Cytogenetic location: 2p13.1.
Variant type: single nucleotide variant.
Coding change: c.2443G>A on transcript NM_001378454.1 (MANE Select); coding-DNA position 2443, G replaced by A.
Protein change: p.Glu815Lys; replaces glutamic acid 815 with lysine.
Molecular consequence: missense variant.
Genome position (GRCh38, 1-based): chr2:73,448,970, G>A. VCF-style: chr2-73448970-G-A. GRCh37 (hg19) VCF-style: chr2-73676097-G-A.
Other names: c.2446G>A, p.Glu816Lys (NM_015120.4); short protein forms E815K, E816K.
Identifiers: ClinVar variation 1046891 (VCV001046891.7), dbSNP rs370978261, ClinGen allele CA347270101.

ClinVar aggregate classification (germline): Uncertain significance (1 of 4 stars; one submission).

Conditions:
Alstrom syndrome (ALMS). Identifiers: Orphanet 64, MedGen C0268425, MONDO:0008763, OMIM 203800.

Submission:

Labcorp Genetics (formerly Invitae), Labcorp
Classification: Uncertain significance for Alstrom syndrome. Last evaluated: 2020-02-21. Review status: criteria provided, single submitter. Criteria: Invitae Variant Classification Sherloc (09022015). Collection method: clinical testing. Allele origin: germline.
Comment: In summary, the available evidence is currently insufficient to determine the role of this variant in disease. Therefore, it has been classified as a Variant of Uncertain Significance. This variant has not been reported in the literature in individuals with ALMS1-related conditions. This variant is not present in population databases (ExAC no frequency). This sequence change replaces glutamic acid with lysine at codon 816 of the ALMS1 protein (p.Glu816Lys). The glutamic acid residue is weakly conserved and there is a small physicochemical difference between glutamic acid and lysine.